The following is an entry in ClinVar:

NM_007294.4(BRCA1):c.5305T>A (p.Tyr1769Asn)

Gene: BRCA1 (BRCA1 DNA repair associated; minus strand). Cytogenetic location: 17q21.31.
Variant type: single nucleotide variant.
Coding change: c.5305T>A on transcript NM_007294.4 (MANE Select); coding-DNA position 5305, T replaced by A.
Protein change: p.Tyr1769Asn; replaces tyrosine 1769 with asparagine.
Molecular consequence: missense variant. On other transcripts: non-coding transcript variant (1).
Genome position (GRCh38, 1-based): chr17:43,051,090, A>T on the plus strand (T>A on the coding strand, the complement: BRCA1 is on the minus strand). VCF-style: chr17-43051090-A-T. GRCh37 (hg19) VCF-style: chr17-41203107-A-T.
Other names: c.5092T>A, p.Tyr1698Asn (NM_001407571.1, NM_001407906.1, NM_001407907.1 and 12 more transcripts); c.5371T>A, p.Tyr1791Asn (NM_001407581.1, NM_001407582.1); c.5368T>A, p.Tyr1790Asn (NM_001407583.1, NM_001407585.1, NM_001407587.1 and 1 more transcripts); c.5365T>A, p.Tyr1789Asn (NM_001407590.1, NM_001407591.1); c.5305T>A, p.Tyr1769Asn (NM_001407593.1, NM_001407594.1, NM_001407596.1 and 6 more transcripts); c.5302T>A, p.Tyr1768Asn (NM_001407610.1, NM_001407611.1, NM_001407612.1 and 17 more transcripts); c.5299T>A, p.Tyr1767Asn (NM_001407631.1, NM_001407632.1, NM_001407633.1 and 14 more transcripts); c.5227T>A, p.Tyr1743Asn (NM_001407653.1, NM_001407654.1, NM_001407655.1 and 1 more transcripts); and 72 more; short protein forms Y1722N, Y1790N, Y665N, Y1769N, Y1658N, Y1679N, Y1767N, Y1791N.
Identifiers: ClinVar variation 865287 (VCV000865287.3), dbSNP rs2051204673, ClinGen allele CA10590939.

Conditions:
Breast-ovarian cancer, familial, susceptibility to, 1 (BROVCA1). Also called: BRCA1 Hereditary Breast and Ovarian Cancer; OVARIAN CANCER, SUSCEPTIBILITY TO. Identifiers: Orphanet 145, MedGen C2676676, MONDO:0011450, OMIM 604370. Disease mechanism: loss of function.

Submission:

Brotman Baty Institute, University of Washington
No classification provided (evidence only). Condition: Breast-ovarian cancer, familial 1. Review status: no classification provided. Collection method: in vitro. Allele origin: not applicable. Functional consequence: functionally_normal.
ClinVar note: "not provided" was previously submitted as the classification for the variant. However, the classification appeared to be based only on an observation of functional data so it was converted to no classification on 2025-07-30.